The following is an entry in ClinVar:

ClinVar aggregate classification (germline): Uncertain significance (1 of 4 stars; one submission).

Submission:

GeneDx
Classification: Uncertain significance. Last evaluated: 2026-02-05. Review status: criteria provided, single submitter. Criteria: GeneDx Variant Classification Process June 2021. Collection method: clinical testing. Allele origin: germline.
Comment: Not observed at significant frequency in large population cohorts (gnomAD); In silico analysis suggests that this missense variant does not alter protein structure/function; Has not been previously published as pathogenic or benign to our knowledge.

NM_002742.3(PRKD1):c.639C>G (p.Ser213Arg)

Gene: PRKD1 (protein kinase D1; minus strand). Cytogenetic location: 14q12.
Variant type: single nucleotide variant.
Coding change: c.639C>G on transcript NM_002742.3 (MANE Select); coding-DNA position 639, C replaced by G.
Protein change: p.Ser213Arg; replaces serine 213 with arginine.
Molecular consequence: missense variant.
Genome position (GRCh38, 1-based): chr14:29,663,756, G>C on the plus strand (C>G on the coding strand, the complement: PRKD1 is on the minus strand). VCF-style: chr14-29663756-G-C. GRCh37 (hg19) VCF-style: chr14-30132962-G-C.
Other names: c.639C>G, p.Ser213Arg (NM_001330069.2); c.351C>G, p.Ser117Arg (NM_001348390.1); short protein forms S117R, S213R.
Identifiers: ClinVar variation 4975667 (VCV004975667.1).
Genomic context (GRCh38, chr14:29,663,756, plus strand): 5'-TACCAGAAGGGGCTCATCAGGGGCACTTGTAGAGAGTTCAGCAGATGATGTGCGGATGGT[G>C]CTGACCCCAGTGAGGGAAACGTTTGAGAGCCTTCTCCGCCTCACACCGCTGCAATTGTTG-3'
Protein context (NP_002733.2, residues 203-223): RLSNVSLTGV[Ser213Arg]TIRTSSAELS